The following is an entry in ClinVar:

NM_002335.4(LRP5):c.3985G>A (p.Glu1329Lys)

Gene: LRP5 (LDL receptor related protein 5; plus strand). Cytogenetic location: 11q13.2.
Variant type: single nucleotide variant.
Coding change: c.3985G>A on transcript NM_002335.4 (MANE Select); coding-DNA position 3985, G replaced by A.
Protein change: p.Glu1329Lys; replaces glutamic acid 1329 with lysine.
Molecular consequence: missense variant.
Genome position (GRCh38, 1-based): chr11:68,433,823, G>A. VCF-style: chr11-68433823-G-A. GRCh37 (hg19) VCF-style: chr11-68201291-G-A.
Other names: c.2242G>A, p.Glu748Lys (NM_001291902.2); short protein forms E1329K, E748K.
Identifiers: ClinVar variation 2642043 (VCV002642043.27), dbSNP rs775143370, ClinGen allele CA6150177.

ClinVar aggregate classification (germline): Uncertain significance. Review status: criteria provided, multiple submitters, no conflicts (2 of 4 stars). 3 submissions from 3 submitters: Uncertain significance (3). Last evaluated 2024-04-02.

Allele frequency attached by ClinVar (database versions not stated): ExAC 0.00001; gnomAD 0.00001; TOPMed 0.00001.
gnomAD v4.1: 7 of 1,612,340 alleles (0.00043%); highest among the groups gnomAD compares: Non-Finnish European, 0.00059%; no homozygotes.

Submissions (3):

Labcorp Genetics (formerly Invitae), Labcorp
Classification: Uncertain significance. Last evaluated: 2024-04-02. Review status: criteria provided, single submitter. Criteria: Invitae Variant Classification Sherloc (09022015). Collection method: clinical testing. Allele origin: germline.
Comment: This sequence change replaces glutamic acid, which is acidic and polar, with lysine, which is basic and polar, at codon 1329 of the LRP5 protein (p.Glu1329Lys). The frequency data for this variant in the population databases is considered unreliable, as metrics indicate poor data quality at this position in the gnomAD database. This variant has not been reported in the literature in individuals affected with LRP5-related conditions. ClinVar contains an entry for this variant (Variation ID: 2642043). Advanced modeling of protein sequence and biophysical properties (such as structural, functional, and spatial information, amino acid conservation, physicochemical variation, residue mobility, and thermodynamic stability) has been performed at Invitae for this missense variant, however the output from this modeling did not meet the statistical confidence thresholds required to predict the impact of this variant on LRP5 protein function. In summary, the available evidence is currently insufficient to determine the role of this variant in disease. Therefore, it has been classified as a Variant of Uncertain Significance.

CeGaT Center for Human Genetics Tuebingen
Classification: Uncertain significance. Last evaluated: 2023-07-01. Review status: criteria provided, single submitter. Criteria: CeGaT Center For Human Genetics Tuebingen Variant Classification Criteria Version 2. Collection method: clinical testing. Allele origin: germline. Affected: yes. Observed: 1 variant allele.
Comment: LRP5: PM2

Blueprint Genetics
Classification: Uncertain significance. Last evaluated: 2019-12-18. Review status: criteria provided, single submitter. Criteria: ACMG Guidelines, 2015. Collection method: clinical testing. Allele origin: germline.